The following is an entry in ClinVar:

ClinVar aggregate classification (germline): Uncertain significance (1 of 4 stars; one submission).

Conditions:
Dilated cardiomyopathy 1HH (CMD1HH). Identifiers: Orphanet 154, MedGen C3151293, MONDO:0013479, OMIM 613881.
Myofibrillar myopathy 6. Identifiers: Orphanet 199340, MedGen C2751831, MONDO:0013061, OMIM 612954.

Allele frequency attached by ClinVar (database versions not stated): gnomAD exomes below 0.00001.
gnomAD v4.1: 1 of 1,614,132 alleles (0.000062%); highest among the groups gnomAD compares: Non-Finnish European, 0.000085%; no homozygotes.

Submission:

Labcorp Genetics (formerly Invitae), Labcorp
Classification: Uncertain significance for Dilated cardiomyopathy 1HH; Myofibrillar myopathy 6. Last evaluated: 2023-03-13. Review status: criteria provided, single submitter. Criteria: Invitae Variant Classification Sherloc (09022015). Collection method: clinical testing. Allele origin: germline.
Comment: In summary, the available evidence is currently insufficient to determine the role of this variant in disease. Therefore, it has been classified as a Variant of Uncertain Significance. Advanced modeling of protein sequence and biophysical properties (such as structural, functional, and spatial information, amino acid conservation, physicochemical variation, residue mobility, and thermodynamic stability) performed at Invitae indicates that this missense variant is not expected to disrupt BAG3 protein function. This variant has not been reported in the literature in individuals affected with BAG3-related conditions. This variant is not present in population databases (gnomAD no frequency). This sequence change replaces serine, which is neutral and polar, with isoleucine, which is neutral and non-polar, at codon 284 of the BAG3 protein (p.Ser284Ile).

NM_004281.4(BAG3):c.851G>T (p.Ser284Ile)

Gene: BAG3 (BAG cochaperone 3; plus strand). Cytogenetic location: 10q26.11.
Variant type: single nucleotide variant.
Coding change: c.851G>T on transcript NM_004281.4 (MANE Select); coding-DNA position 851, G replaced by T.
Protein change: p.Ser284Ile; replaces serine 284 with isoleucine.
Molecular consequence: missense variant.
Genome position (GRCh38, 1-based): chr10:119,672,598, G>T. VCF-style: chr10-119672598-G-T. GRCh37 (hg19) VCF-style: chr10-121432110-G-T.
Other names: short protein forms S284I.
Identifiers: ClinVar variation 2945037 (VCV002945037.3), dbSNP rs2494014664, ClinGen allele CA378295938.
Genomic context (GRCh38, chr10:119,672,598, plus strand): 5'-CCCCGTTCAGGTCATCTGTCCAGGGTGCATCGAGCCGGGAGGGCTCACCAGCCAGGAGCA[G>T]CACGCCACTCCACTCCCCCTCGCCCATCCGTGTGCACACCGTGGTCGACAGGCCTCAGGT-3'
Protein context (NP_004272.2, residues 274-294): SSREGSPARS[Ser284Ile]TPLHSPSPIR